The following is an entry in ClinVar:

NM_006231.4(POLE):c.802-15A>T

Gene: POLE (DNA polymerase epsilon, catalytic subunit; minus strand). Cytogenetic location: 12q24.33.
Variant type: single nucleotide variant.
Coding change: c.802-15A>T on transcript NM_006231.4 (MANE Select); 15 bases into the intron before coding-DNA position 802, A replaced by T.
Molecular consequence: intron variant.
Genome position (GRCh38, 1-based): chr12:132,676,668, T>A on the plus strand (A>T on the coding strand, the complement: POLE is on the minus strand). VCF-style: chr12-132676668-T-A. GRCh37 (hg19) VCF-style: chr12-133253254-T-A.
Identifiers: ClinVar variation 3904556 (VCV003904556.1).

ClinVar aggregate classification (germline): Likely benign (1 of 4 stars; one submission).

Conditions:
Colorectal cancer, susceptibility to, 12 (CRCS12). Also called: COLORECTAL CANCER, SUSCEPTIBILITY TO, ON CHROMOSOME 12q24. Identifiers: Orphanet 220460, MedGen C3554460, MONDO:0014038, OMIM 615083.

gnomAD v4.1: 2 of 1,563,670 alleles (0.00013%); highest among the groups gnomAD compares: Non-Finnish European, 0.00018%; no homozygotes.

Submission:

Myriad Genetics, Inc.
Classification: Likely benign for Colorectal cancer, susceptibility to, 12. Last evaluated: 2025-02-07. Review status: criteria provided, single submitter. Criteria: Myriad Autosomal Dominant, Autosomal Recessive and X-Linked Classification Criteria (2023). Collection method: clinical testing. Allele origin: unknown.
Comment: This variant is considered likely benign. This variant is intronic and is not expected to impact mRNA splicing.